The following is an entry in ClinVar:

ClinVar aggregate classification (germline): Pathogenic/Likely pathogenic. Review status: criteria provided, multiple submitters, no conflicts (2 of 4 stars). 4 submissions from 4 submitters: Pathogenic (3); Likely pathogenic (1). Last evaluated 2024-11-12.

Conditions:
Autosomal recessive limb-girdle muscular dystrophy type 2D (LGMDR3). Also called: ADHALINOPATHY, PRIMARY; DUCHENNE-LIKE AUTOSOMAL RECESSIVE MUSCULAR DYSTROPHY, TYPE 2; MUSCULAR DYSTROPHY, LIMB-GIRDLE, AUTOSOMAL RECESSIVE 3. Identifiers: Orphanet 62, MedGen C2936332, MONDO:0011968, OMIM 608099. Disease mechanism: Affects gamma-sarcoglycan and also disrupts the integrity of the entire sarcoglycan complex..

Allele frequency attached by ClinVar (database versions not stated): ExAC 0.00001; gnomAD exomes below 0.00001.
gnomAD v4.1: 1 of 1,613,772 alleles (0.000062%); highest among the groups gnomAD compares: Admixed American, 0.0017%; no homozygotes.

Submissions (4):

Revvity Omics, Revvity
Classification: Pathogenic for Autosomal recessive limb-girdle muscular dystrophy type 2D. Last evaluated: 2024-11-12. Review status: criteria provided, single submitter. Criteria: ACMG Guidelines, 2015. Collection method: clinical testing. Allele origin: germline.

Myriad Genetics, Inc.
Classification: Pathogenic for Autosomal recessive limb-girdle muscular dystrophy type 2D. Last evaluated: 2024-05-08. Review status: criteria provided, single submitter. Criteria: Myriad Autosomal Dominant, Autosomal Recessive and X-Linked Classification Criteria (2023). Collection method: clinical testing. Allele origin: unknown.
Comment: NM_000023.2(SGCA):c.186C>G(Y62*) is expected to be pathogenic in the context of alpha-sarcoglycanopathy. This variant is predicted to lead to an abnormal or absent protein product due to the creation of a premature termination codon in SGCA, a gene where loss-of-function variants are known to be pathogenic. Please note: this variant was assessed in the context of healthy population screening.

Baylor Genetics
Classification: Likely pathogenic for Autosomal recessive limb-girdle muscular dystrophy type 2D. Last evaluated: 2023-06-22. Review status: criteria provided, single submitter. Criteria: ACMG Guidelines, 2015. Collection method: clinical testing. Allele origin: unknown.

Labcorp Genetics (formerly Invitae), Labcorp
Classification: Pathogenic for Autosomal recessive limb-girdle muscular dystrophy type 2D. Last evaluated: 2021-08-11. Review status: criteria provided, single submitter. Criteria: Invitae Variant Classification Sherloc (09022015). Collection method: clinical testing. Allele origin: germline.
Comment: For these reasons, this variant has been classified as Pathogenic. Loss-of-function variants in SGCA are known to be pathogenic (PMID: 9192266). This variant has not been reported in the literature in individuals with SGCA-related disease. This variant is present in population databases (rs766400853, ExAC 0.009%). This sequence change creates a premature translational stop signal (p.Tyr62*) in the SGCA gene. It is expected to result in an absent or disrupted protein product.

Literature cited by the submitters: PubMed 9192266 (cited by Labcorp Genetics (formerly Invitae), Labcorp).

NM_000023.4(SGCA):c.186C>G (p.Tyr62Ter)

Gene: SGCA (sarcoglycan alpha; plus strand). Cytogenetic location: 17q21.33.
Variant type: single nucleotide variant.
Coding change: c.186C>G on transcript NM_000023.4 (MANE Select); coding-DNA position 186, C replaced by G.
Protein change: p.Tyr62Ter; replaces tyrosine 62 with a stop codon.
Molecular consequence: nonsense. On other transcripts: non-coding transcript variant (1).
Genome position (GRCh38, 1-based): chr17:50,167,610, C>G. VCF-style: chr17-50167610-C-G. GRCh37 (hg19) VCF-style: chr17-48244971-C-G.
Other names: c.186C>G, p.Tyr62Ter (NM_001135697.3); short protein forms Y62*.
Identifiers: ClinVar variation 582221 (VCV000582221.15), dbSNP rs766400853, ClinGen allele CA8643729.